The following is an entry in ClinVar:

NM_001111.5(ADAR):c.302G>C (p.Ser101Thr)

Gene: ADAR (adenosine deaminase RNA specific; minus strand). Cytogenetic location: 1q21.3.
Variant type: single nucleotide variant.
Coding change: c.302G>C on transcript NM_001111.5 (MANE Select); coding-DNA position 302, G replaced by C.
Protein change: p.Ser101Thr; replaces serine 101 with threonine.
Molecular consequence: missense variant. On other transcripts: 5 prime UTR variant (3), intron variant (3).
Genome position (GRCh38, 1-based): chr1:154,602,340, C>G on the plus strand (G>C on the coding strand, the complement: ADAR is on the minus strand). VCF-style: chr1-154602340-C-G. GRCh37 (hg19) VCF-style: chr1-154574816-C-G.
Other names: c.-584G>C (NM_001025107.3, NM_001193495.2, NM_001365048.1); c.329G>C, p.Ser110Thr (NM_001365045.1); c.302G>C, p.Ser101Thr (NM_015840.4, NM_015841.4); c.-493+45G>C (NM_001365046.1, NM_001365049.1, NM_001365047.1); short protein forms S101T, S110T.
Identifiers: ClinVar variation 1026223 (VCV001026223.6), dbSNP rs763972905, ClinGen allele CA1131720.

ClinVar aggregate classification (germline): Uncertain significance (1 of 4 stars; one submission).

Conditions:
Symmetrical dyschromatosis of extremities (DSH). Also called: Dyschromatosis symmetrica hereditaria; RETICULATE ACROPIGMENTATION OF DOHI; DYSCHROMATOSIS SYMMETRICA HEREDITARIA 1; SYMMETRIC DYSCHROMATOSIS OF THE EXTREMITIES. Identifiers: Orphanet 41, MedGen C0406775, MONDO:0007483, OMIM 127400.
Aicardi-Goutieres syndrome 6 (AGS6). Identifiers: Orphanet 51, MedGen C3539013, MONDO:0014007, OMIM 615010.

Allele frequency attached by ClinVar (database versions not stated): gnomAD 0.00001; ExAC 0.00001; gnomAD exomes 0.00001.
gnomAD v4.1: 12 of 1,610,688 alleles (0.00075%); highest among the groups gnomAD compares: Non-Finnish European, 0.00017%; no homozygotes.

Submission:

Labcorp Genetics (formerly Invitae), Labcorp
Classification: Uncertain significance for Aicardi-Goutieres syndrome 6; Symmetrical dyschromatosis of extremities. Last evaluated: 2025-12-06. Review status: criteria provided, single submitter. Criteria: Invitae Variant Classification Sherloc (09022015). Collection method: clinical testing. Allele origin: germline.
Comment: This sequence change replaces serine, which is neutral and polar, with threonine, which is neutral and polar, at codon 101 of the ADAR protein (p.Ser101Thr). This variant is present in population databases (rs763972905, gnomAD 0.02%). This variant has not been reported in the literature in individuals affected with ADAR-related conditions. ClinVar contains an entry for this variant (Variation ID: 1026223). An algorithm developed to predict the effect of missense changes on protein structure and function outputs the following: PolyPhen-2: "Benign". The threonine amino acid residue is found in multiple mammalian species, which suggests that this missense change does not adversely affect protein function. In summary, the available evidence is currently insufficient to determine the role of this variant in disease. Therefore, it has been classified as a Variant of Uncertain Significance.